The following is an entry in ClinVar:

NM_032888.4(COL27A1):c.5197A>G (p.Lys1733Glu)

Gene: COL27A1 (collagen type XXVII alpha 1 chain; plus strand). Cytogenetic location: 9q32.
Variant type: single nucleotide variant.
Coding change: c.5197A>G on transcript NM_032888.4 (MANE Select); coding-DNA position 5197, A replaced by G.
Protein change: p.Lys1733Glu; replaces lysine 1733 with glutamic acid.
Molecular consequence: missense variant.
Genome position (GRCh38, 1-based): chr9:114,307,758, A>G. VCF-style: chr9-114307758-A-G. GRCh37 (hg19) VCF-style: chr9-117070038-A-G.
Other names: short protein forms K1733E.
Identifiers: ClinVar variation 740457 (VCV000740457.22), dbSNP rs148068880, ClinGen allele CA5203326.

ClinVar aggregate classification (germline): Conflicting classifications of pathogenicity. Review status: criteria provided, conflicting classifications (1 of 4 stars). 4 submissions from 4 submitters: Uncertain significance (2); Likely benign (1). 1 of the submissions does not count toward it. Last evaluated 2025-10-15.

Conditions:
COL27A1-related disorder. Also called: COL27A1-related condition.

Allele frequency attached by ClinVar (database versions not stated): ExAC 0.00036; TOPMed 0.00037; gnomAD exomes 0.00047 and 0.00011; 1000 Genomes Project 0.00100; 1000 Genomes Project 30x 0.00109; gnomAD 0.00014 and 0.00017.
gnomAD v4.1: 184 of 1,613,726 alleles (0.011%); highest among the groups gnomAD compares: East Asian, 0.38%; 1 homozygote.

Submissions (4):

Labcorp Genetics (formerly Invitae), Labcorp
Classification: Likely benign. Last evaluated: 2025-10-15. Review status: criteria provided, single submitter. Criteria: Invitae Variant Classification Sherloc (09022015). Collection method: clinical testing. Allele origin: germline.

CeGaT Center for Human Genetics Tuebingen
Classification: Uncertain significance. Last evaluated: 2025-06-01. Review status: criteria provided, single submitter. Criteria: CeGaT Center For Human Genetics Tuebingen Variant Classification Criteria Version 2. Collection method: clinical testing. Allele origin: germline. Affected: yes. Observed: 1 variant allele.

Blueprint Genetics
Classification: Uncertain significance. Last evaluated: 2024-05-02. Review status: criteria provided, single submitter. Criteria: ACMG Guidelines, 2015. Collection method: clinical testing. Allele origin: germline.

PreventionGenetics, part of Exact Sciences
Classification: Likely benign for COL27A1-related condition. Last evaluated: 2019-09-10. Review status: no assertion criteria provided. Collection method: clinical testing. Allele origin: germline. Not counted in ClinVar's aggregate classification.
Comment: This variant is classified as likely benign based on ACMG/AMP sequence variant interpretation guidelines (Richards et al. 2015 PMID: 25741868, with internal and published modifications).